The following is an entry in ClinVar:

NM_001079802.2(FKTN):c.93T>A (p.Tyr31Ter)

Gene: FKTN (fukutin; plus strand). Cytogenetic location: 9q31.2.
Variant type: single nucleotide variant.
Coding change: c.93T>A on transcript NM_001079802.2 (MANE Select); coding-DNA position 93, T replaced by A.
Protein change: p.Tyr31Ter; replaces tyrosine 31 with a stop codon.
Molecular consequence: nonsense. On other transcripts: 5 prime UTR variant (5), non-coding transcript variant (2).
Genome position (GRCh38, 1-based): chr9:105,575,125, T>A. VCF-style: chr9-105575125-T-A. GRCh37 (hg19) VCF-style: chr9-108337406-T-A.
Other names: c.93T>A, p.Tyr31Ter (NM_001198963.2, NM_001351496.2, NM_001351498.2 and 1 more transcripts); c.-75T>A (NM_001351497.2); c.-422T>A (NM_001351499.2, NM_001351500.2, NM_001351501.2 and 1 more transcripts); short protein forms Y31*.
Identifiers: ClinVar variation 1073035 (VCV001073035.7), dbSNP rs2132018294, ClinGen allele CA374330978.
Genomic context (GRCh38, chr9:105,575,125, plus strand): 5'-CCTTTTAACGCTGACAAGTTCTGCATTTCTGCTGTTTCAGTTGTACTACTACAAGCACTA[T>A]TTATCAACAAAGGTAATTTTATTCCTTCTTTCTTATCATTCCTCCTTTCTTATCATTGTA-3'

ClinVar aggregate classification (germline): Pathogenic (1 of 4 stars; one submission).

Conditions:
Walker-Warburg congenital muscular dystrophy. Also called: Muscular dystrophy-dystroglycanopathy, type A; Walker-Warburg syndrome. Identifiers: Orphanet 899, MedGen C0265221, MONDO:0000171.

Submission:

Labcorp Genetics (formerly Invitae), Labcorp
Classification: Pathogenic for Walker-Warburg congenital muscular dystrophy. Last evaluated: 2020-03-25. Review status: criteria provided, single submitter. Criteria: Invitae Variant Classification Sherloc (09022015). Collection method: clinical testing. Allele origin: germline.
Comment: This sequence change creates a premature translational stop signal (p.Tyr31*) in the FKTN gene. It is expected to result in an absent or disrupted protein product. For these reasons, this variant has been classified as Pathogenic. Loss-of-function variants in FKTN are known to be pathogenic (PMID: 17044012, 17878207, 18752264). This variant has not been reported in the literature in individuals with FKTN-related conditions. This variant is not present in population databases (ExAC no frequency).

Literature cited by the submitters: PubMed 17044012; PubMed 17878207; PubMed 18752264.